The following is an entry in ClinVar:

ClinVar aggregate classification (germline): Likely benign. Review status: criteria provided, single submitter (1 of 4 stars). 2 submissions from 2 submitters: Likely benign (1). 1 of the submissions does not count toward it. Last evaluated 2025-08-23.

Conditions:
ITGB2-related disorder. Also called: ITGB2-related condition.
Leukocyte adhesion deficiency 1 (LAD1). Also called: LAD 1; Lymphocyte function-associated antigen 1 immunodeficiency; LFA 1 immunodeficiency; LEUKOCYTE ADHESION DEFICIENCY, TYPE I. Identifiers: Orphanet 2968, Orphanet 99842, MedGen C0398738, MONDO:0007293, OMIM 116920.

Allele frequency attached by ClinVar (database versions not stated): gnomAD 0.00001; gnomAD exomes 0.00002 and 0.00013; ExAC 0.00004; TOPMed 0.00010.
gnomAD v4.1: 38 of 1,614,116 alleles (0.0024%); highest among the groups gnomAD compares: Admixed American, 0.06%; no homozygotes.

Submissions (2):

Labcorp Genetics (formerly Invitae), Labcorp
Classification: Likely benign for Leukocyte adhesion deficiency 1. Last evaluated: 2025-08-23. Review status: criteria provided, single submitter. Criteria: Invitae Variant Classification Sherloc (09022015). Collection method: clinical testing. Allele origin: germline.

PreventionGenetics, part of Exact Sciences
Classification: Likely benign for ITGB2-related condition. Last evaluated: 2019-06-25. Review status: no assertion criteria provided. Collection method: clinical testing. Allele origin: germline. Not counted in ClinVar's aggregate classification.
Comment: This variant is classified as likely benign based on ACMG/AMP sequence variant interpretation guidelines (Richards et al. 2015 PMID: 25741868, with internal and published modifications).

NM_000211.5(ITGB2):c.711G>A (p.Leu237=)

Gene: ITGB2 (integrin subunit beta 2; minus strand). Cytogenetic location: 21q22.3.
Variant type: single nucleotide variant.
Coding change: c.711G>A on transcript NM_000211.5 (MANE Select); coding-DNA position 711, G replaced by A.
Protein change: p.Leu237=; no amino-acid change (leucine 237 retained).
Molecular consequence: synonymous variant.
Genome position (GRCh38, 1-based): chr21:44,901,522, C>T on the plus strand (G>A on the coding strand, the complement: ITGB2 is on the minus strand). VCF-style: chr21-44901522-C-T. GRCh37 (hg19) VCF-style: chr21-46321437-C-T.
Other names: c.711G>A, p.Leu237= (NM_001127491.3); c.504G>A, p.Leu168= (NM_001303238.2).
Identifiers: ClinVar variation 721707 (VCV000721707.13), dbSNP rs763149142, ClinGen allele CA10063129.